The following is an entry in ClinVar:

NM_001849.4(COL6A2):c.1477G>A (p.Gly493Ser)

Gene: COL6A2 (collagen type VI alpha 2 chain; plus strand). Cytogenetic location: 21q22.3.
Variant type: single nucleotide variant.
Coding change: c.1477G>A on transcript NM_001849.4 (MANE Select); coding-DNA position 1477, G replaced by A.
Protein change: p.Gly493Ser; replaces glycine 493 with serine.
Molecular consequence: missense variant.
Genome position (GRCh38, 1-based): chr21:46,121,574, G>A. VCF-style: chr21-46121574-G-A. GRCh37 (hg19) VCF-style: chr21-47541488-G-A.
Other names: c.1477G>A, p.Gly493Ser (NM_058174.3, NM_058175.3); short protein forms G493S.
Identifiers: ClinVar variation 645764 (VCV000645764.11), dbSNP rs553174831, ClinGen allele CA10071915.

ClinVar aggregate classification (germline): Uncertain significance. Review status: criteria provided, single submitter (1 of 4 stars). 2 submissions from 2 submitters: Uncertain significance (1). 1 of the submissions does not count toward it. Last evaluated 2025-07-13.

Conditions:
Bethlem myopathy 1A. Also called: Bethlem myopathy 1; Bethlem Muscular Dystrophy; MYOPATHY, BENIGN CONGENITAL, WITH CONTRACTURES. Identifiers: Orphanet 610, MedGen CN029274, MONDO:0024530, OMIM 158810.
COL6A2-related disorder.

Allele frequency attached by ClinVar (database versions not stated): ExAC 0.00001; gnomAD 0.00001; gnomAD exomes 0.00001; TOPMed 0.00001; 1000 Genomes Project 30x 0.00016; 1000 Genomes Project 0.00020.
gnomAD v4.1: 14 of 1,612,838 alleles (0.00087%); highest among the groups gnomAD compares: Admixed American, 0.01%; no homozygotes.

Submissions (2):

Labcorp Genetics (formerly Invitae), Labcorp
Classification: Uncertain significance for Bethlem myopathy 1A. Last evaluated: 2025-07-13. Review status: criteria provided, single submitter. Criteria: Invitae Variant Classification Sherloc (09022015). Collection method: clinical testing. Allele origin: germline.
Comment: This sequence change replaces glycine, which is neutral and non-polar, with serine, which is neutral and polar, at codon 493 of the COL6A2 protein (p.Gly493Ser). This variant is present in population databases (rs553174831, gnomAD 0.006%). This variant has not been reported in the literature in individuals affected with COL6A2-related conditions. ClinVar contains an entry for this variant (Variation ID: 645764). Invitae Evidence Modeling of protein sequence and biophysical properties (such as structural, functional, and spatial information, amino acid conservation, physicochemical variation, residue mobility, and thermodynamic stability) indicates that this missense variant is expected to disrupt COL6A2 protein function with a positive predictive value of 80%. In summary, the available evidence is currently insufficient to determine the role of this variant in disease. Therefore, it has been classified as a Variant of Uncertain Significance.

PreventionGenetics, part of Exact Sciences
Classification: Uncertain significance for COL6A2-related condition. Last evaluated: 2023-10-26. Review status: no assertion criteria provided. Collection method: clinical testing. Allele origin: germline. Not counted in ClinVar's aggregate classification.
Comment: The COL6A2 c.1477G>A variant is predicted to result in the amino acid substitution p.Gly493Ser. To our knowledge, this variant has not been reported in the literature. This variant is reported in 0.0058% of alleles in individuals of Latino descent in gnomAD. At this time, the clinical significance of this variant is uncertain due to the absence of conclusive functional and genetic evidence.